The following is an entry in ClinVar:

NM_015450.3(POT1):c.217del (p.Tyr73fs)

Gene: POT1 (protection of telomeres 1; minus strand). Cytogenetic location: 7q31.33.
Variant type: Deletion.
Coding change: c.217del on transcript NM_015450.3 (MANE Select); coding-DNA position 217, one base deleted (T; older notation c.217delT).
Protein change: p.Tyr73fs; shifts the reading frame from tyrosine 73.
Molecular consequence: frameshift variant. On other transcripts: non-coding transcript variant (3), intron variant (1).
Genome position (GRCh38, 1-based): chr7:124,870,949, A deleted on the plus strand (T on the coding strand, the reverse complement: POT1 is on the minus strand); the first of 3 consecutive A bases (chr7:124,870,949-124,870,951); deleting any one gives the same sequence. VCF-style (leftmost placement, unchanged base first): chr7-124870948-TA-T. GRCh37 (hg19) VCF-style: chr7-124511002-TA-T.
Other names: c.-138-7309del (NM_001042594.2); short protein forms Y73fs.
Identifiers: ClinVar variation 2066202 (VCV002066202.4), dbSNP rs2485504867, ClinGen allele CA2580076452.

ClinVar aggregate classification (germline): Pathogenic (1 of 4 stars; one submission).

Conditions:
Tumor predisposition syndrome 3 (TPDS3). Also called: Melanoma, cutaneous malignant, susceptibility to, 10; Glioma susceptibility 9; LONG TELOMERE SYNDROME, POT1-RELATED; POT1 Tumor Predisposition. Identifiers: Orphanet 618, MedGen C4014476, MONDO:0014368, OMIM 615848.

Submission:

Labcorp Genetics (formerly Invitae), Labcorp
Classification: Pathogenic for Tumor predisposition syndrome 3. Last evaluated: 2021-12-30. Review status: criteria provided, single submitter. Criteria: Invitae Variant Classification Sherloc (09022015). Collection method: clinical testing. Allele origin: germline.
Comment: For these reasons, this variant has been classified as Pathogenic. This sequence change creates a premature translational stop signal (p.Tyr73Ilefs*12) in the POT1 gene. It is expected to result in an absent or disrupted protein product. Loss-of-function variants in POT1 are known to be pathogenic (PMID: 32155570). This variant is not present in population databases (gnomAD no frequency). This variant has not been reported in the literature in individuals affected with POT1-related conditions.

Literature cited by the submitters: PubMed 32155570.